The following is an entry in ClinVar:

NM_004859.4(CLTC):c.3407C>G (p.Ser1136Cys)

Gene: CLTC (clathrin heavy chain; plus strand). Cytogenetic location: 17q23.1.
Variant type: single nucleotide variant.
Coding change: c.3407C>G on transcript NM_004859.4 (MANE Select); coding-DNA position 3407, C replaced by G.
Protein change: p.Ser1136Cys; replaces serine 1136 with cysteine.
Molecular consequence: missense variant.
Genome position (GRCh38, 1-based): chr17:59,681,804, C>G. VCF-style: chr17-59681804-C-G. GRCh37 (hg19) VCF-style: chr17-57759165-C-G.
Other names: c.3419C>G, p.Ser1140Cys (NM_001288653.2); short protein forms S1140C, S1136C.
Identifiers: ClinVar variation 4532305 (VCV004532305.1).

ClinVar aggregate classification (germline): Uncertain significance (1 of 4 stars; one submission).

gnomAD v4.1: 1 of 1,613,772 alleles (0.000062%); no homozygotes.

Submission:

GeneDx
Classification: Uncertain significance. Last evaluated: 2025-06-01. Review status: criteria provided, single submitter. Criteria: GeneDx Variant Classification Process June 2021. Collection method: clinical testing. Allele origin: germline. Affected: yes.
Comment: Not observed at significant frequency in large population cohorts (gnomAD); In silico analysis supports that this missense variant has a deleterious effect on protein structure/function; Has not been previously published as pathogenic or benign to our knowledge